The following is an entry in ClinVar:

NM_001142864.4(PIEZO1):c.5589C>A (p.Pro1863=)

Gene: PIEZO1 (piezo type mechanosensitive ion channel component 1 (Er blood group); minus strand). Cytogenetic location: 16q24.3.
Variant type: single nucleotide variant.
Coding change: c.5589C>A on transcript NM_001142864.4 (MANE Select); coding-DNA position 5589, C replaced by A.
Protein change: p.Pro1863=; no amino-acid change (proline 1863 retained).
Molecular consequence: synonymous variant.
Genome position (GRCh38, 1-based): chr16:88,721,245, G>T on the plus strand (C>A on the coding strand, the complement: PIEZO1 is on the minus strand). VCF-style: chr16-88721245-G-T. GRCh37 (hg19) VCF-style: chr16-88787653-G-T.
Other names: p.Pro1863=.
Identifiers: ClinVar variation 4684133 (VCV004684133.1).

ClinVar aggregate classification (germline): Likely benign (1 of 4 stars; one submission).

gnomAD v4.1: 3 of 1,541,884 alleles (0.00019%); highest among the groups gnomAD compares: East Asian, 0.0049%; no homozygotes.

Submission:

Mayo Clinic Laboratories, Mayo Clinic
Classification: Likely benign. Last evaluated: 2025-03-12. Review status: criteria provided, single submitter. Criteria: ACMG Guidelines, 2015. Collection method: clinical testing. Allele origin: germline. Observed: 1 variant allele.
Comment: BP4, BP7, PM2_supporting